The following is an entry in ClinVar:

NM_000051.4(ATM):c.7747A>G (p.Ile2583Val)

Genes: ATM (ATM serine/threonine kinase; plus strand), C11orf65 (chromosome 11 open reading frame 65; minus strand). Cytogenetic location: 11q22.3.
Variant type: single nucleotide variant.
Coding change: c.7747A>G on transcript NM_000051.4 (MANE Select); coding-DNA position 7747, A replaced by G.
Protein change: p.Ile2583Val; replaces isoleucine 2583 with valine.
Molecular consequence: missense variant. On other transcripts: intron variant (2).
Genome position (GRCh38, 1-based): chr11:108,331,996, A>G. VCF-style: chr11-108331996-A-G. GRCh37 (hg19) VCF-style: chr11-108202723-A-G.
Other names: c.7747A>G, p.Ile2583Val (NM_001351834.2); c.641-22925T>C (NM_001330368.2); c.*38+3224T>C (NM_001351110.2); short protein forms I2583V.
Identifiers: ClinVar variation 3704928 (VCV003704928.2).

ClinVar aggregate classification (germline): Uncertain significance (1 of 4 stars; one submission).

Conditions:
Ataxia-telangiectasia syndrome (AT). Also called: Ataxia-telangiectasia, complementation group D; AT, COMPLEMENTATION GROUP C; ATAXIA-TELANGIECTASIA, COMPLEMENTATION GROUP A; ATAXIA-TELANGIECTASIA, FRESNO VARIANT; Ataxia-telangiectasia; Ataxia-telangiectasia, complementation group E. Identifiers: Orphanet 100, MedGen C0004135, MONDO:0008840, OMIM 208900.

gnomAD v4.1: 3 of 1,614,102 alleles (0.00019%); highest among the groups gnomAD compares: East Asian, 0.0022%; no homozygotes.

Submission:

Labcorp Genetics (formerly Invitae), Labcorp
Classification: Uncertain significance for Ataxia-telangiectasia syndrome. Last evaluated: 2024-07-03. Review status: criteria provided, single submitter. Criteria: Invitae Variant Classification Sherloc (09022015). Collection method: clinical testing. Allele origin: germline.
Comment: This sequence change replaces isoleucine, which is neutral and non-polar, with valine, which is neutral and non-polar, at codon 2583 of the ATM protein (p.Ile2583Val). This variant is present in population databases (no rsID available, gnomAD 0.003%). This variant has not been reported in the literature in individuals affected with ATM-related conditions. An algorithm developed to predict the effect of missense changes on protein structure and function (PolyPhen-2) suggests that this variant is likely to be tolerated. In summary, the available evidence is currently insufficient to determine the role of this variant in disease. Therefore, it has been classified as a Variant of Uncertain Significance.